The following is an entry in ClinVar:

NM_000404.4(GLB1):c.1071_1073delinsGG (p.Phe357fs)

Gene: GLB1 (galactosidase beta 1; minus strand). Cytogenetic location: 3p22.3.
Variant type: Indel.
Coding change: c.1071_1073delinsGG on transcript NM_000404.4 (MANE Select); coding-DNA positions 1071 to 1073, TGA replaced by GG.
Protein change: p.Phe357fs; shifts the reading frame from phenylalanine 357.
Molecular consequence: frameshift variant.
Genome position (GRCh38, 1-based): chr3:33,024,321-33,024,323, TCA replaced by CC on the plus strand (TGA replaced by GG on the coding strand, the reverse complement: GLB1 is on the minus strand). VCF-style: chr3-33024321-TCA-CC. GRCh37 (hg19) VCF-style: chr3-33065813-TCA-CC.
Other names: c.981_983delinsGG, p.Phe327fs (NM_001079811.3); c.678_680delinsGG, p.Phe226fs (NM_001135602.3); c.1215_1217delinsGG, p.Phe405fs (NM_001317040.2); c.1071_1073delinsGG, p.Phe357fs (NM_001393580.1); c.1071_1073delTGAinsGG (NM_000404.4, NM_000404.3); short protein forms F357fs, F405fs, F327fs, F226fs.
Identifiers: ClinVar variation 2585128 (VCV002585128.2), dbSNP rs2471279230, ClinGen allele CA2582342840.

ClinVar aggregate classification (germline): Pathogenic/Likely pathogenic. Review status: criteria provided, multiple submitters, no conflicts (2 of 4 stars). 2 submissions from 2 submitters: Pathogenic (1); Likely pathogenic (1). Last evaluated 2025-03-14.

Conditions:
Infantile GM1 gangliosidosis. Also called: GM1-gangliosidosis, type I; Gangliosidosis, generalized GM1, infantile form; GLB1 deficiency; GM1 gangliosidosis type 1; Gangliosidosis, Generalized GM1, Type 1. Identifiers: Orphanet 354, Orphanet 79255, MedGen C0268271, MONDO:0009260, OMIM 230500.
Mucopolysaccharidosis, MPS-IV-B (MPS4B). Also called: MPS IVB; Mucopolysaccharidosis Type IVB (Morquio B Disease); MORQUIO SYNDROME B; Mucopolysaccharidosis type 4B; Mucopolysaccharidosis type IVB (Morquio); Mucopolysaccharidosis type IV B. Identifiers: Orphanet 309310, Orphanet 582, MedGen C0086652, MONDO:0009660, OMIM 253010.

Submissions (2):

Natera, Inc.
Classification: Pathogenic for Mucopolysaccharidosis, MPS-IV-B. Last evaluated: 2025-03-14. Review status: criteria provided, single submitter. Criteria: Natera Variant Classification Schema (03/2026). Collection method: clinical testing. Allele origin: germline.
Comment: The c.1071_1073delTGAinsGG variant in GLB1 is a frameshift variant predicted to shift the reading frame beginning at codon 357 and leads to a stop codon 26 codons downstream. This variant is expected to result in nonsense mediated decay, truncation, or a dysfunctional protein product. This variant is rare in the general population with a frequency below the threshold expected for the associated phenotype(s). This variant has been observed in one or more individuals affected with the associated recessive disease, as either homozygous or compound heterozygous with a second variant (PMID: 30408610). Given the available evidence, this variant is classified as Pathogenic.

Neuberg Centre For Genomic Medicine, NCGM
Classification: Likely pathogenic for Infantile GM1 gangliosidosis. Review status: criteria provided, single submitter. Criteria: ACMG Guidelines, 2015. Collection method: clinical testing. Allele origin: germline. Inheritance: Autosomal recessive inheritance. Affected: yes.
Comment: The c.1071_1073delTGAinsGG (p.Phe357LeufsTer26) frameshift variant has not been reported previously as a pathogenic variant nor as a benign variant, to our knowledge. This variant is reported with the allele frequency (0.0008%) in the gnomAD and novel in 1000 genome database. This variant causes a frameshift starting with codon Phenylalanine 357, changes this amino acid to Leucine residue, and creates a premature Stop codon at position 26 of the new reading frame, denoted p.Phe357LeufsTer26. This variant is predicted to cause loss of normal protein function through protein truncation. Loss of function variants have been previously reported to be disease causing. For these reasons, this variant has been classified as Likely Pathogenic.

Literature cited by the submitters: PubMed 30408610 (cited by Natera, Inc.).